The following is an entry in ClinVar:

ClinVar aggregate classification (germline): Uncertain significance. Review status: criteria provided, multiple submitters, no conflicts (2 of 4 stars). 2 submissions from 2 submitters: Uncertain significance (2). Last evaluated 2025-10-27.

Conditions:
MHC class I deficiency. Identifiers: Orphanet 34592, MedGen C6024714, MONDO:0011476.
Inborn genetic diseases. Identifiers: MedGen C0950123, MeSH D030342.

Allele frequency attached by ClinVar (database versions not stated): gnomAD 0.00001; gnomAD exomes below 0.00001 and 0.00001; TOPMed 0.00002.
gnomAD v4.1: 18 of 1,614,166 alleles (0.0011%); highest among the groups gnomAD compares: Middle Eastern, 0.033%; no homozygotes.

Submissions (2):

Ambry Genetics
Classification: Uncertain significance for Inborn genetic diseases. Last evaluated: 2025-10-27. Review status: criteria provided, single submitter. Criteria: Ambry Variant Classification Scheme 2023. Collection method: clinical testing. Allele origin: germline.

Labcorp Genetics (formerly Invitae), Labcorp
Classification: Uncertain significance for MHC class I deficiency 1. Last evaluated: 2022-08-05. Review status: criteria provided, single submitter. Criteria: Invitae Variant Classification Sherloc (09022015). Collection method: clinical testing. Allele origin: germline.
Comment: This sequence change replaces arginine, which is basic and polar, with cysteine, which is neutral and slightly polar, at codon 614 of the TAP2 protein (p.Arg614Cys). The frequency data for this variant in the population databases is considered unreliable, as metrics indicate poor data quality at this position in the gnomAD database. This variant has not been reported in the literature in individuals affected with TAP2-related conditions. ClinVar contains an entry for this variant (Variation ID: 1410319). Algorithms developed to predict the effect of missense changes on protein structure and function output the following: SIFT: "Tolerated"; PolyPhen-2: "Not Available"; Align-GVGD: "Class C0". The cysteine amino acid residue is found in multiple mammalian species, which suggests that this missense change does not adversely affect protein function. In summary, the available evidence is currently insufficient to determine the role of this variant in disease. Therefore, it has been classified as a Variant of Uncertain Significance.

NM_001290043.2(TAP2):c.1840C>T (p.Arg614Cys)

Gene: TAP2 (transporter 2, ATP binding cassette subfamily B member; minus strand). Cytogenetic location: 6p21.32.
Variant type: single nucleotide variant.
Coding change: c.1840C>T on transcript NM_001290043.2 (MANE Select); coding-DNA position 1840, C replaced by T.
Protein change: p.Arg614Cys; replaces arginine 614 with cysteine.
Molecular consequence: missense variant.
Genome position (GRCh38, 1-based): chr6:32,829,492, G>A on the plus strand (C>T on the coding strand, the complement: TAP2 is on the minus strand). VCF-style: chr6-32829492-G-A. GRCh37 (hg19) VCF-style: chr6-32797269-G-A.
Other names: c.1840C>T, p.Arg614Cys (NM_000544.3, NM_018833.3); short protein forms R614C.
Identifiers: ClinVar variation 1410319 (VCV001410319.6), dbSNP rs972577711, ClinGen allele CA136998002.